The following is an entry in ClinVar:

NM_006031.6(PCNT):c.7884C>T (p.Cys2628=)

Gene: PCNT (pericentrin; plus strand). Cytogenetic location: 21q22.3.
Variant type: single nucleotide variant.
Coding change: c.7884C>T on transcript NM_006031.6 (MANE Select); coding-DNA position 7884, C replaced by T.
Protein change: p.Cys2628=; no amino-acid change (cysteine 2628 retained).
Molecular consequence: synonymous variant.
Genome position (GRCh38, 1-based): chr21:46,430,203, C>T. VCF-style: chr21-46430203-C-T. GRCh37 (hg19) VCF-style: chr21-47850117-C-T.
Other names: c.7530C>T, p.Cys2510= (NM_001315529.2); c.7884C>T (NM_006031.5).
Identifiers: ClinVar variation 2066608 (VCV002066608.6), dbSNP rs753961366, ClinGen allele CA10080812.

ClinVar aggregate classification (germline): Likely benign. Review status: criteria provided, single submitter (1 of 4 stars). 2 submissions from 2 submitters: Likely benign (1). 1 of the submissions does not count toward it. Last evaluated 2025-02-17.

Conditions:
PCNT-related disorder. Also called: PCNT-related condition.

Allele frequency attached by ClinVar (database versions not stated): ExAC 0.00002; TOPMed 0.00006.
gnomAD v4.1: 29 of 1,613,702 alleles (0.0018%); highest among the groups gnomAD compares: African/African-American, 0.016%; no homozygotes.

Submissions (2):

Labcorp Genetics (formerly Invitae), Labcorp
Classification: Likely benign. Last evaluated: 2025-02-17. Review status: criteria provided, single submitter. Criteria: Invitae Variant Classification Sherloc (09022015). Collection method: clinical testing. Allele origin: germline.

PreventionGenetics, part of Exact Sciences
Classification: Likely benign for PCNT-related condition. Last evaluated: 2019-10-07. Review status: no assertion criteria provided. Collection method: clinical testing. Allele origin: germline. Not counted in ClinVar's aggregate classification.
Comment: This variant is classified as likely benign based on ACMG/AMP sequence variant interpretation guidelines (Richards et al. 2015 PMID: 25741868, with internal and published modifications).